The following is an entry in ClinVar:

NM_021614.4(KCNN2):c.488_494dup (p.Ser168fs)

Gene: KCNN2 (potassium calcium-activated channel subfamily N member 2; plus strand). Cytogenetic location: 5q22.3.
Variant type: Duplication.
Coding change: c.488_494dup on transcript NM_021614.4 (MANE Select); coding-DNA positions 488 to 494, 7 bases duplicated (TGCAGCC; older notation c.488_494dupTGCAGCC).
Protein change: p.Ser168fs; shifts the reading frame from serine 168.
Molecular consequence: frameshift variant. On other transcripts: non-coding transcript variant (1).
Genome position (GRCh38, 1-based): chr5:114,362,627-114,362,633, TGCAGCC duplicated; duplicating any 7 consecutive bases within chr5:114,362,622-114,362,633 gives the same sequence; the c. name uses the placement nearest the transcript's 3' end. VCF-style (leftmost placement, unchanged base first): chr5-114362621-A-ACAGCCTG. GRCh37 (hg19) VCF-style: chr5-113698318-A-ACAGCCTG.
Other names: c.686_692dup, p.Ser234fs (NM_001372233.1); short protein forms S168fs, S234fs.
Identifiers: ClinVar variation 3346079 (VCV003346079.1).

ClinVar aggregate classification (germline): Uncertain significance (0 of 4 stars; one submission).

Conditions:
KCNN2-related disorder. Also called: KCNN2-related condition; KCNN2-Related Disorders.

Submission:

PreventionGenetics, part of Exact Sciences
Classification: Uncertain significance for KCNN2-related condition. Last evaluated: 2024-05-06. Review status: no assertion criteria provided. Collection method: clinical testing. Allele origin: germline.
Comment: The KCNN2 c.-149_-143dup7 variant is located in the 5' untranslated region. To our knowledge, this variant has not been reported in the literature or in a large population database, indicating this variant is rare. Of note, with a new version of this isoform (NM_021614.4) this variant is referred to as c.488_494dup p.Ser168Argfs*117 and predicted to result in premature termination in the first exon. Other variants predicted to result in loss-of-function have been reported, but all occur downstream of this variant (Mochel. 2020. PubMed ID: 33242881). At this time, the clinical significance of this variant is uncertain due to the absence of conclusive functional and genetic evidence.